The following is an entry in ClinVar:

ClinVar aggregate classification (germline): Conflicting classifications of pathogenicity. Review status: criteria provided, conflicting classifications (1 of 4 stars). 2 submissions from 2 submitters: Likely pathogenic (1); Uncertain significance (1). Last evaluated 2026-04-28.

Conditions:
ABCC9-related disorder. Also called: ABCC9-related condition; ABCC9-related disorders.

Submissions (2):

PreventionGenetics, part of Exact Sciences
Classification: Uncertain significance for ABCC9-related condition. Last evaluated: 2026-04-28. Review status: criteria provided, single submitter. Criteria: ACMG Guidelines, 2015. Collection method: clinical testing. Allele origin: germline.
Comment: The ABCC9 c.3493G>A variant is predicted to result in the amino acid substitution p.Asp1165Asn. To our knowledge, this variant has not been reported in the literature or in a large population database (gnomAD), indicating this variant is rare. Although we suspect that this variant may be pathogenic, at this time, the clinical significance of this variant is uncertain due to the absence of conclusive functional and genetic evidence.

Blueprint Genetics
Classification: Likely pathogenic for ABCC9-related disorders. Last evaluated: 2024-11-18. Review status: criteria provided, single submitter. Criteria: ACMG Guidelines, 2015. Collection method: clinical testing. Allele origin: de novo. Affected: yes. Observed: 1 variant allele.

NM_020297.4(ABCC9):c.3493G>A (p.Asp1165Asn)

Gene: ABCC9 (ATP binding cassette subfamily C member 9; minus strand). Cytogenetic location: 12p12.1.
Variant type: single nucleotide variant.
Coding change: c.3493G>A on transcript NM_020297.4 (MANE Select); coding-DNA position 3493, G replaced by A.
Protein change: p.Asp1165Asn; replaces aspartic acid 1165 with asparagine.
Molecular consequence: missense variant.
Genome position (GRCh38, 1-based): chr12:21,838,151, C>T on the plus strand (G>A on the coding strand, the complement: ABCC9 is on the minus strand). VCF-style: chr12-21838151-C-T. GRCh37 (hg19) VCF-style: chr12-21991085-C-T.
Other names: c.3493G>A (NM_020297.3); c.3493G>A, p.Asp1165Asn (NM_001377273.1, NM_005691.4); c.2626G>A, p.Asp876Asn (NM_001377274.1); short protein forms D876N, D1165N.
Identifiers: ClinVar variation 4915902 (VCV004915902.2).